The following is an entry in ClinVar:

NM_007186.6(CEP250):c.1571+1G>A

Genes: CEP250 (centrosomal protein 250; plus strand), CEP250-AS1 (CEP250 antisense RNA 1; minus strand). Cytogenetic location: 20q11.22.
Variant type: single nucleotide variant.
Coding change: c.1571+1G>A on transcript NM_007186.6 (MANE Select); the canonical splice donor site of the intron after coding-DNA position 1571, G replaced by A.
Molecular consequence: splice donor variant. On other transcripts: non-coding transcript variant (7).
Genome position (GRCh38, 1-based): chr20:35,474,053, G>A. VCF-style: chr20-35474053-G-A. GRCh37 (hg19) VCF-style: chr20-34061878-G-A.
Other names: c.-329+1G>A (NM_001318219.1).
Identifiers: ClinVar variation 4699956 (VCV004699956.1).

ClinVar aggregate classification (germline): Likely pathogenic (1 of 4 stars; one submission).

gnomAD v4.1: 1 of 1,542,668 alleles (0.000065%); highest among the groups gnomAD compares: East Asian, 0.0024%; no homozygotes.

Submission:

Labcorp Genetics (formerly Invitae), Labcorp
Classification: Likely pathogenic. Last evaluated: 2025-08-07. Review status: criteria provided, single submitter. Criteria: Invitae Variant Classification Sherloc (09022015). Collection method: clinical testing. Allele origin: germline.
Comment: This sequence change affects a donor splice site in intron 14 of the CEP250 gene. It is expected to disrupt RNA splicing. Variants that disrupt the donor or acceptor splice site typically lead to a loss of protein function (PMID: 16199547), and loss-of-function variants in CEP250 are known to be pathogenic (PMID: 24780881, 29718797). This variant is not present in population databases (gnomAD no frequency). This variant has not been reported in the literature in individuals affected with CEP250-related conditions. Algorithms developed to predict the effect of sequence changes on RNA splicing suggest that this variant may disrupt the consensus splice site. In summary, the currently available evidence indicates that the variant is pathogenic, but additional data are needed to prove that conclusively. Therefore, this variant has been classified as Likely Pathogenic.

Literature cited by the submitters: PubMed 16199547; PubMed 24780881; PubMed 29718797.